The following is an entry in ClinVar:

NM_182961.4(SYNE1):c.9625A>T (p.Lys3209Ter)

Gene: SYNE1 (spectrin repeat containing nuclear envelope protein 1; minus strand). Cytogenetic location: 6q25.2.
Variant type: single nucleotide variant.
Coding change: c.9625A>T on transcript NM_182961.4 (MANE Select); coding-DNA position 9625, A replaced by T.
Protein change: p.Lys3209Ter; replaces lysine 3209 with a stop codon.
Molecular consequence: nonsense.
Genome position (GRCh38, 1-based): chr6:152,369,497, T>A on the plus strand (A>T on the coding strand, the complement: SYNE1 is on the minus strand). VCF-style: chr6-152369497-T-A. GRCh37 (hg19) VCF-style: chr6-152690632-T-A.
Other names: c.9646A>T, p.Lys3216Ter (NM_033071.5); c.9625A>T (NM_182961.2); short protein forms K3209*, K3216*.
Identifiers: ClinVar variation 242514 (VCV000242514.9), dbSNP rs780991031, ClinGen allele CA351284.
Genomic context (GRCh38, chr6:152,369,497, plus strand): 5'-GTCAGATGGGGCTACGGGGAGGCGGGCTCATCACCTGGAGCTTCTGCTGCTCCCTCCTCT[T>A]TGCTGGCAGATCATAGAGGCGATTGCTGCTTTCATGGACCATCTTCTCAGTTTTACTCAG-3'

ClinVar aggregate classification (germline): Pathogenic/Likely pathogenic. Review status: criteria provided, multiple submitters, no conflicts (2 of 4 stars). 3 submissions from 3 submitters: Pathogenic (2); Likely pathogenic (1). Last evaluated 2023-09-19.

Conditions:
Autosomal recessive ataxia, Beauce type. Also called: Spinocerebellar ataxia, autosomal recessive 8; ATAXIA, RECESSIVE, OF BEAUCE; SYNE1-Related Autosomal Recessive Cerebellar Ataxia; SYNE1 Deficiency. Identifiers: Orphanet 88644, MedGen C1853116, MONDO:0012549, OMIM 610743.
Cerebellar ataxia. Identifiers: Orphanet 102002, MedGen C0007758, MONDO:0000437.

Allele frequency attached by ClinVar (database versions not stated): gnomAD exomes below 0.00001 and 0.00001; TOPMed below 0.00001; ExAC 0.00001; gnomAD 0.00001.
gnomAD v4.1: 10 of 1,614,032 alleles (0.00062%); highest among the groups gnomAD compares: Non-Finnish European, 0.00076%; no homozygotes.

Submissions (3):

Athena Diagnostics
Classification: Pathogenic. Last evaluated: 2023-09-19. Review status: criteria provided, single submitter. Criteria: Athena Diagnostics Criteria. Collection method: clinical testing. Allele origin: unknown.
Comment: This variant is expected to result in the loss of a functional protein. The frequency of this variant in the general population is consistent with pathogenicity. This variant has been identified in at least one individual with clinical features of cerebellar ataxia. In some published literature, this variant is referred to as c.9646A>T p.K3216*.

Fundacion Diagnosis
Classification: Likely pathogenic for Autosomal recessive ataxia, Beauce type; Ataxia. Last evaluated: 2019-06-05. Review status: criteria provided, single submitter. Criteria: ACMG Guidelines, 2015. Collection method: clinical testing. Allele origin: unknown. Inheritance: Autosomal recessive inheritance. Affected: yes. Observed: 1 homozygote.
Comment: Different studies have analyzed families with truncating and frameshift mutations, demonstrating that both result in a process of "nonsense-mediated mRNA decay" (4), consistent with a loss of protein function and are related to SCAR8, therefore they are considered pathogenic. In our case, our variant is not previously described in the literature, so studies of other families with this variant and / or specific functional evaluation are necessary to definitively classify it as pathogenic. (SYNOFZIK 2016).

Revvity Omics, Revvity
Classification: Pathogenic. Last evaluated: 2019-03-08. Review status: criteria provided, single submitter. Criteria: ACMG Guidelines, 2015. Collection method: clinical testing. Allele origin: germline.

Literature cited by the submitters: PubMed 25133958 (cited by Athena Diagnostics); PubMed 33651373 (cited by Athena Diagnostics); PubMed 25326637 (cited by Athena Diagnostics).